The following is an entry in ClinVar:

ClinVar aggregate classification (germline): Likely pathogenic (1 of 4 stars; one submission).

Submission:

Labcorp Genetics (formerly Invitae), Labcorp
Classification: Likely pathogenic. Last evaluated: 2024-11-11. Review status: criteria provided, single submitter. Criteria: Invitae Variant Classification Sherloc (09022015). Collection method: clinical testing. Allele origin: germline.
Comment: This sequence change affects an acceptor splice site in intron 15 of the NBAS gene. It is expected to disrupt RNA splicing. Variants that disrupt the donor or acceptor splice site typically lead to a loss of protein function (PMID: 16199547), and loss-of-function variants in NBAS are known to be pathogenic (PMID: 26073778, 26541327, 27789416, 28031453). This variant is not present in population databases (gnomAD no frequency). This variant has not been reported in the literature in individuals affected with NBAS-related conditions. ClinVar contains an entry for this variant (Variation ID: 1493721). Algorithms developed to predict the effect of sequence changes on RNA splicing suggest that this variant may disrupt the consensus splice site. In summary, the currently available evidence indicates that the variant is pathogenic, but additional data are needed to prove that conclusively. Therefore, this variant has been classified as Likely Pathogenic.

Literature cited by the submitters: PubMed 16199547; PubMed 26073778; PubMed 26541327; PubMed 27789416; PubMed 28031453.

NM_015909.4(NBAS):c.1600-2A>G

Gene: NBAS (NBAS subunit of NRZ tethering complex; minus strand). Cytogenetic location: 2p24.3.
Variant type: single nucleotide variant.
Coding change: c.1600-2A>G on transcript NM_015909.4 (MANE Select); the canonical splice acceptor site of the intron before coding-DNA position 1600, A replaced by G.
Molecular consequence: splice acceptor variant.
Genome position (GRCh38, 1-based): chr2:15,473,349, T>C on the plus strand (A>G on the coding strand, the complement: NBAS is on the minus strand). VCF-style: chr2-15473349-T-C. GRCh37 (hg19) VCF-style: chr2-15613473-T-C.
Identifiers: ClinVar variation 1493721 (VCV001493721.6), dbSNP rs2148583885, ClinGen allele CA345886539.